The following is an entry in ClinVar:

ClinVar aggregate classification (germline): Uncertain significance (1 of 4 stars; one submission).

Allele frequency attached by ClinVar (database versions not stated): gnomAD 0.00001.
gnomAD v4.1: 5 of 1,613,966 alleles (0.00031%); highest among the groups gnomAD compares: Non-Finnish European, 0.00034%; no homozygotes.

Submission:

Labcorp Genetics (formerly Invitae), Labcorp
Classification: Uncertain significance. Last evaluated: 2022-05-23. Review status: criteria provided, single submitter. Criteria: Invitae Variant Classification Sherloc (09022015). Collection method: clinical testing. Allele origin: germline.
Comment: In summary, the available evidence is currently insufficient to determine the role of this variant in disease. Therefore, it has been classified as a Variant of Uncertain Significance. Algorithms developed to predict the effect of missense changes on protein structure and function output the following: SIFT: "Deleterious"; PolyPhen-2: "Benign"; Align-GVGD: "Class C0". The leucine amino acid residue is found in multiple mammalian species, which suggests that this missense change does not adversely affect protein function. This variant has not been reported in the literature in individuals affected with LRIT3-related conditions. This variant is present in population databases (no rsID available, gnomAD 0.002%). This sequence change replaces arginine, which is basic and polar, with leucine, which is neutral and non-polar, at codon 440 of the LRIT3 protein (p.Arg440Leu).

NM_198506.5(LRIT3):c.1319G>T (p.Arg440Leu)

Gene: LRIT3 (leucine rich repeat, Ig-like and transmembrane domains 3; plus strand). Cytogenetic location: 4q25.
Variant type: single nucleotide variant.
Coding change: c.1319G>T on transcript NM_198506.5 (MANE Select); coding-DNA position 1319, G replaced by T.
Protein change: p.Arg440Leu; replaces arginine 440 with leucine.
Molecular consequence: missense variant.
Genome position (GRCh38, 1-based): chr4:109,870,068, G>T. VCF-style: chr4-109870068-G-T. GRCh37 (hg19) VCF-style: chr4-110791224-G-T.
Other names: short protein forms R440L.
Identifiers: ClinVar variation 1915777 (VCV001915777.5), dbSNP rs757351189, ClinGen allele CA357870734.